The following is an entry in ClinVar:

ClinVar aggregate classification (germline): Pathogenic (1 of 4 stars; one submission).

Conditions:
Early-infantile DEE. Also called: Ohtahara syndrome; Early infantile epileptic encephalopathy with suppression bursts; Early infantile epileptic encephalopathy. Identifiers: Orphanet 1934, MedGen C0393706, MONDO:0800491.

Submission:

Labcorp Genetics (formerly Invitae), Labcorp
Classification: Pathogenic for Early-infantile DEE. Last evaluated: 2023-11-04. Review status: criteria provided, single submitter. Criteria: Invitae Variant Classification Sherloc (09022015). Collection method: clinical testing. Allele origin: germline.
Comment: This variant, c.743_751del, results in the deletion of 3 amino acid(s) of the KCNQ2 protein (p.Phe248_Val250del), but otherwise preserves the integrity of the reading frame. This variant is not present in population databases (gnomAD no frequency). This variant has not been reported in the literature in individuals affected with KCNQ2-related conditions. This variant disrupts a region of the KCNQ2 protein in which other variant(s) (p.Val250Leu) have been determined to be pathogenic (PMID: 27779742). This suggests that this is a clinically significant region of the protein, and that variants that disrupt it are likely to be disease-causing. For these reasons, this variant has been classified as Pathogenic.

Literature cited by the submitters: PubMed 27779742.

NM_172107.4(KCNQ2):c.743_751del (p.Phe248_Val250del)

Gene: KCNQ2 (potassium voltage-gated channel subfamily Q member 2; minus strand). Cytogenetic location: 20q13.33.
Variant type: Deletion.
Coding change: c.743_751del on transcript NM_172107.4 (MANE Select); coding-DNA positions 743 to 751, 9 bases deleted (TCCTGGTGT; older notation c.743_751delTCCTGGTGT).
Protein change: p.Phe248_Val250del.
Molecular consequence: inframe deletion.
Genome position (GRCh38, 1-based): chr20:63,442,471-63,442,479, ACACCAGGA deleted on the plus strand (TCCTGGTGT on the coding strand, the reverse complement: KCNQ2 is on the minus strand); deleting any 9 consecutive bases within chr20:63,442,471-63,442,481 gives the same sequence; the c. name uses the placement nearest the transcript's 3' end. VCF-style (leftmost placement, unchanged base first): chr20-63442470-TACACCAGGA-T. GRCh37 (hg19) VCF-style: chr20-62073823-TACACCAGGA-T.
Other names: c.743_751del, p.Phe248_Val250del (NM_001382235.1, NM_004518.6, NM_172106.3 and 2 more transcripts).
Identifiers: ClinVar variation 2693143 (VCV002693143.3), dbSNP rs2516447288, ClinGen allele CA2697547467.
Genomic context (GRCh38, chr20:63,442,470, plus strand): 5'-CCCCACCAGAGTGCATCCGCGTAGGTGTCAAAGTGGTCGTTCTCCCCCTTCTCTGCCAAG[TACACCAGGA>T]ACGAGGCCAGGATGAGACAAAGGAAGCCGATGTACCAGGCAGTGACCAGCTCCTGAGAGG-3'